The following is an entry in ClinVar:

ClinVar aggregate classification (germline): Uncertain significance (1 of 4 stars; one submission).

Conditions:
Muscular dystrophy-dystroglycanopathy (congenital with brain and eye anomalies), type a, 11 (MDDGA11). Also called: WALKER-WARBURG SYNDROME OR MUSCLE-EYE-BRAIN DISEASE, B3GALNT2-RELATED; Congenital muscular dystrophy-dystroglycanopathy with brain and eye anomalies, type A11; Muscular dystrophy-dystroglycanopathy (congenital with brain and eye anomalies, type A, 11. Identifiers: Orphanet 588, Orphanet 899, MedGen C3554638, MONDO:0014071, OMIM 615181.

Allele frequency attached by ClinVar (database versions not stated): gnomAD exomes below 0.00001.
gnomAD v4.1: 1 of 1,485,974 alleles (0.000067%); highest among the groups gnomAD compares: Middle Eastern, 0.022%; no homozygotes.

Submission:

Labcorp Genetics (formerly Invitae), Labcorp
Classification: Uncertain significance for Muscular dystrophy-dystroglycanopathy (congenital with brain and eye anomalies), type a, 11. Last evaluated: 2020-01-24. Review status: criteria provided, single submitter. Criteria: Invitae Variant Classification Sherloc (09022015). Collection method: clinical testing. Allele origin: germline.
Comment: In summary, the available evidence is currently insufficient to determine the role of this variant in disease. Therefore, it has been classified as a Variant of Uncertain Significance. Algorithms developed to predict the effect of missense changes on protein structure and function do not agree on the potential impact of this missense change (SIFT: "Tolerated"; PolyPhen-2: "Possibly Damaging"; Align-GVGD: "Class C0"). This variant has not been reported in the literature in individuals with B3GALNT2-related disease. This variant is not present in population databases (ExAC no frequency). This sequence change replaces tryptophan with arginine at codon 4 of the B3GALNT2 protein (p.Trp4Arg). The tryptophan residue is weakly conserved and there is a moderate physicochemical difference between tryptophan and arginine.

NM_152490.5(B3GALNT2):c.10T>C (p.Trp4Arg)

Gene: B3GALNT2 (beta-1,3-N-acetylgalactosaminyltransferase 2; minus strand). Cytogenetic location: 1q42.3.
Variant type: single nucleotide variant.
Coding change: c.10T>C on transcript NM_152490.5 (MANE Select); coding-DNA position 10, T replaced by C.
Protein change: p.Trp4Arg; replaces tryptophan 4 with arginine.
Molecular consequence: missense variant.
Genome position (GRCh38, 1-based): chr1:235,504,243, A>G on the plus strand (T>C on the coding strand, the complement: B3GALNT2 is on the minus strand). VCF-style: chr1-235504243-A-G. GRCh37 (hg19) VCF-style: chr1-235667543-A-G.
Other names: c.10T>C, p.Trp4Arg (NM_001277155.3); short protein forms W4R.
Identifiers: ClinVar variation 473878 (VCV000473878.5), dbSNP rs1553356208, ClinGen allele CA344937719.